The following is an entry in ClinVar:

NM_206933.4(USH2A):c.2750G>A (p.Ser917Asn)

Genes: USH2A (usherin; minus strand), LOC122152296 (Sharpr-MPRA regulatory region 8762; plus strand). Cytogenetic location: 1q41.
Variant type: single nucleotide variant.
Coding change: c.2750G>A on transcript NM_206933.4 (MANE Select); coding-DNA position 2750, G replaced by A.
Protein change: p.Ser917Asn; replaces serine 917 with asparagine.
Molecular consequence: missense variant.
Genome position (GRCh38, 1-based): chr1:216,246,644, C>T on the plus strand (G>A on the coding strand, the complement: USH2A is on the minus strand). VCF-style: chr1-216246644-C-T. GRCh37 (hg19) VCF-style: chr1-216419986-C-T.
Other names: c.2750G>A, p.Ser917Asn (NM_007123.6); short protein forms S917N.
Identifiers: ClinVar variation 931181 (VCV000931181.7), dbSNP rs776323626, ClinGen allele CA1396176.

ClinVar aggregate classification (germline): Uncertain significance. Review status: criteria provided, multiple submitters, no conflicts (2 of 4 stars). 5 submissions from 4 submitters: Uncertain significance (5). Last evaluated 2023-11-04.

Conditions:
Retinitis pigmentosa 39 (RP39). Identifiers: Orphanet 791, MedGen C3151138, MONDO:0013436, OMIM 613809.
Usher syndrome type 2A. Also called: RETINAL DISEASE IN USHER SYNDROME TYPE IIA, MODIFIER OF; USHER SYNDROME, TYPE IIA. Identifiers: Orphanet 231178, Orphanet 886, MedGen C1848634, MONDO:0010169, OMIM 276901.

Allele frequency attached by ClinVar (database versions not stated): gnomAD exomes below 0.00001 and 0.00001; ExAC 0.00001; TOPMed 0.00001.
gnomAD v4.1: 11 of 1,614,108 alleles (0.00068%); highest among the groups gnomAD compares: East Asian, 0.0045%; no homozygotes.

Submissions (5):

Genome-Nilou Lab
Classification: Uncertain significance for Retinitis pigmentosa 39. Last evaluated: 2023-11-04. Review status: criteria provided, single submitter. Criteria: ACMG Guidelines, 2015. Collection method: clinical testing. Allele origin: germline. Affected: no.

Genome-Nilou Lab
Classification: Uncertain significance for Usher syndrome type 2A. Last evaluated: 2023-11-04. Review status: criteria provided, single submitter. Criteria: ACMG Guidelines, 2015. Collection method: clinical testing. Allele origin: germline. Affected: no.

Blueprint Genetics
Classification: Uncertain significance. Last evaluated: 2023-04-13. Review status: criteria provided, single submitter. Criteria: ACMG Guidelines, 2015. Collection method: clinical testing. Allele origin: germline.

Labcorp Genetics (formerly Invitae), Labcorp
Classification: Uncertain significance. Last evaluated: 2022-10-24. Review status: criteria provided, single submitter. Criteria: Invitae Variant Classification Sherloc (09022015). Collection method: clinical testing. Allele origin: germline.
Comment: This sequence change replaces serine, which is neutral and polar, with asparagine, which is neutral and polar, at codon 917 of the USH2A protein (p.Ser917Asn). This variant is present in population databases (rs776323626, gnomAD 0.0009%). This missense change has been observed in individual(s) with retinitis pigmentosa (PMID: 33090715). ClinVar contains an entry for this variant (Variation ID: 931181). Advanced modeling of protein sequence and biophysical properties (such as structural, functional, and spatial information, amino acid conservation, physicochemical variation, residue mobility, and thermodynamic stability) performed at Invitae indicates that this missense variant is not expected to disrupt USH2A protein function. In summary, the available evidence is currently insufficient to determine the role of this variant in disease. Therefore, it has been classified as a Variant of Uncertain Significance.

Centre for Mendelian Genomics, University Medical Centre Ljubljana
Classification: Uncertain significance for Usher syndrome type 2A. Last evaluated: 2020-02-01. Review status: criteria provided, single submitter. Criteria: ACMG Guidelines, 2015. Collection method: clinical testing. Allele origin: unknown. Affected: yes.
Comment: This variant was classified as: Uncertain significance. The available evidence on this variant's pathogenicity is insufficient or conflicting. The following ACMG criteria were applied in classifying this variant: PM2,PP3.

Literature cited by the submitters: PubMed 33090715 (cited by Labcorp Genetics (formerly Invitae), Labcorp).